The following is an entry in ClinVar:

ClinVar aggregate classification (germline): Pathogenic (1 of 4 stars; one submission).

Conditions:
CHARGE syndrome (CHARGE). Also called: Hittner Hirsch Kreh syndrome; CHARGE ASSOCIATION--COLOBOMA, HEART ANOMALY, CHOANAL ATRESIA, RETARDATION, GENITAL AND EAR ANOMALIES; Coloboma, heart anomaly, choanal atresia, retardation, genital and ear anomalies; CHARGE association; Hall-Hittner syndrome. Identifiers: Orphanet 138, MedGen C0265354, MONDO:0008965.

Submission:

Women's Health and Genetics/Laboratory Corporation of America, LabCorp
Classification: Pathogenic for CHARGE syndrome. Last evaluated: 2024-08-12. Review status: criteria provided, single submitter. Criteria: LabCorp Variant Classification Summary - May 2015. Collection method: clinical testing. Allele origin: germline.
Comment: Variant summary: CHD7 c.225T>G (p.Tyr75X) results in a premature termination codon, predicted to cause a truncation of the encoded protein or absence of the protein due to nonsense mediated decay, which are commonly known mechanisms for disease. The variant was absent in 248804 control chromosomes. To our knowledge, no occurrence of c.225T>G in individuals affected with CHARGE Syndrome and no experimental evidence demonstrating its impact on protein function have been reported. No submitters have cited clinical-significance assessments for this variant to ClinVar. Based on the evidence outlined above, the variant was classified as pathogenic.

NM_017780.4(CHD7):c.225T>G (p.Tyr75Ter)

Gene: CHD7 (chromodomain helicase DNA binding protein 7; plus strand). Cytogenetic location: 8q12.2.
Variant type: single nucleotide variant.
Coding change: c.225T>G on transcript NM_017780.4 (MANE Select); coding-DNA position 225, T replaced by G.
Protein change: p.Tyr75Ter; replaces tyrosine 75 with a stop codon.
Molecular consequence: nonsense.
Genome position (GRCh38, 1-based): chr8:60,741,657, T>G. VCF-style: chr8-60741657-T-G. GRCh37 (hg19) VCF-style: chr8-61654216-T-G.
Other names: c.225T>G, p.Tyr75Ter (NM_001316690.1); short protein forms Y75*.
Identifiers: ClinVar variation 3366845 (VCV003366845.1).